The following is an entry in ClinVar:

ClinVar aggregate classification (germline): Likely benign (0 of 4 stars; one submission).

Conditions:
MUC16-related disorder. Also called: MUC16-related condition.

Allele frequency attached by ClinVar (database versions not stated): 1000 Genomes Project 30x 0.00016; 1000 Genomes Project 0.00020; gnomAD 0.00023; TOPMed 0.00031; ExAC 0.00042.

Submission:

PreventionGenetics, part of Exact Sciences
Classification: Likely benign for MUC16-related condition. Last evaluated: 2019-04-15. Review status: no assertion criteria provided. Collection method: clinical testing. Allele origin: germline.
Comment: This variant is classified as likely benign based on ACMG/AMP sequence variant interpretation guidelines (Richards et al. 2015 PMID: 25741868, with internal and published modifications).

NM_001401501.2(MUC16):c.12274A>T (p.Thr4092Ser)

Gene: MUC16 (mucin 16, cell surface associated; minus strand). Cytogenetic location: 19p13.2.
Variant type: single nucleotide variant.
Coding change: c.12274A>T on transcript NM_001401501.2 (MANE Select); coding-DNA position 12274, A replaced by T.
Protein change: p.Thr4092Ser; replaces threonine 4092 with serine.
Molecular consequence: missense variant.
Genome position (GRCh38, 1-based): chr19:8,964,616, T>A on the plus strand (A>T on the coding strand, the complement: MUC16 is on the minus strand). VCF-style: chr19-8964616-T-A. GRCh37 (hg19) VCF-style: chr19-9075292-T-A.
Other names: c.12700A>T, p.Thr4234Ser (NM_001414686.1); c.12154A>T, p.Thr4052Ser (NM_001414687.1, NM_024690.2); short protein forms T4052S, T4092S, T4234S.
Identifiers: ClinVar variation 3059987 (VCV003059987.2), dbSNP rs368587583, ClinGen allele CA9171087.
Genomic context (GRCh38, chr19:8,964,616, plus strand): 5'-GGCTGTCTGACGACCTCATAGACTGGGCAAGGAATGAGCTGGATATTCTCTTAGAGGAGG[T>A]AATTTCTGTTCTAGGCCCCTTGGTGATCGCAGTGGAACCTGGGGAAGAGATAATACTTGT-3'
Protein context (NP_001388430.1, residues 4082-4102): AITKGPRTEI[Thr4092Ser]SSKRISSSFL